The following is an entry in ClinVar:

NM_001318852.2(MAPK8IP3):c.1972G>A (p.Asp658Asn)

Gene: MAPK8IP3 (mitogen-activated protein kinase 8 interacting protein 3; plus strand). Cytogenetic location: 16p13.3.
Variant type: single nucleotide variant.
Coding change: c.1972G>A on transcript NM_001318852.2 (MANE Select); coding-DNA position 1972, G replaced by A.
Protein change: p.Asp658Asn; replaces aspartic acid 658 with asparagine.
Molecular consequence: missense variant.
Genome position (GRCh38, 1-based): chr16:1,763,730, G>A. VCF-style: chr16-1763730-G-A. GRCh37 (hg19) VCF-style: chr16-1813731-G-A.
Other names: c.1951G>A, p.Asp651Asn (NM_001040439.2); c.1969G>A, p.Asp657Asn (NM_015133.5); short protein forms D651N, D657N, D658N.
Identifiers: ClinVar variation 1334692 (VCV001334692.4), dbSNP rs2141936354, ClinGen allele CA394233342.

ClinVar aggregate classification (germline): Uncertain significance (1 of 4 stars; one submission).

Submission:

Greenwood Genetic Center Diagnostic Laboratories, Greenwood Genetic Center
Classification: Uncertain significance. Last evaluated: 2021-12-29. Review status: criteria provided, single submitter. Criteria: ACMG Guidelines, 2015. Collection method: clinical testing. Allele origin: germline. Affected: yes.
Comment: PM2